The following is an entry in ClinVar:

ClinVar aggregate classification (germline): Uncertain significance. Review status: criteria provided, multiple submitters, no conflicts (2 of 4 stars). 2 submissions from 2 submitters: Uncertain significance (2). Last evaluated 2022-04-07.

Conditions:
Charcot-Marie-Tooth disease. Also called: Charcot-Marie-Tooth Hereditary Neuropathy; Charcot-Marie-Tooth Neuropathy. Identifiers: Orphanet 166, MedGen C0007959, MONDO:0015626.
Charcot-Marie-Tooth disease type 4. Also called: Charcot-Marie-Tooth, Type 4; Charcot-Marie-Tooth disease, type IV. Identifiers: Orphanet 64749, MedGen C4082197, MONDO:0018995.

Allele frequency attached by ClinVar (database versions not stated): ExAC 0.00001; gnomAD exomes 0.00001.
gnomAD v4.1: 9 of 1,612,170 alleles (0.00056%); highest among the groups gnomAD compares: Non-Finnish European, 0.00076%; no homozygotes.

Submissions (2):

Labcorp Genetics (formerly Invitae), Labcorp
Classification: Uncertain significance for Charcot-Marie-Tooth disease type 4. Last evaluated: 2022-04-07. Review status: criteria provided, single submitter. Criteria: Invitae Variant Classification Sherloc (09022015). Collection method: clinical testing. Allele origin: germline.
Comment: This sequence change replaces leucine, which is neutral and non-polar, with serine, which is neutral and polar, at codon 1223 of the SBF2 protein (p.Leu1223Ser). This variant is present in population databases (rs760210827, gnomAD 0.003%). This missense change has been observed in individual(s) with clinical features of Charcot-Marie-Tooth disease (PMID: 32376792). ClinVar contains an entry for this variant (Variation ID: 916931). Algorithms developed to predict the effect of missense changes on protein structure and function (SIFT, PolyPhen-2, Align-GVGD) all suggest that this variant is likely to be tolerated. Algorithms developed to predict the effect of sequence changes on RNA splicing suggest that this variant may disrupt the consensus splice site. In summary, the available evidence is currently insufficient to determine the role of this variant in disease. Therefore, it has been classified as a Variant of Uncertain Significance.

Molecular Genetics Laboratory, London Health Sciences Centre
Classification: Uncertain significance for Charcot-Marie-Tooth disease. Review status: criteria provided, single submitter. Criteria: ACMG Guidelines, 2015. Collection method: clinical testing. Allele origin: germline. Affected: yes.

Literature cited by the submitters: PubMed 32376792 (cited by Labcorp Genetics (formerly Invitae), Labcorp).

NM_030962.4(SBF2):c.3668T>C (p.Leu1223Ser)

Gene: SBF2 (SET binding factor 2; minus strand). Cytogenetic location: 11p15.4.
Variant type: single nucleotide variant.
Coding change: c.3668T>C on transcript NM_030962.4 (MANE Select); coding-DNA position 3668, T replaced by C.
Protein change: p.Leu1223Ser; replaces leucine 1223 with serine.
Molecular consequence: missense variant.
Genome position (GRCh38, 1-based): chr11:9,829,481, A>G on the plus strand (T>C on the coding strand, the complement: SBF2 is on the minus strand). VCF-style: chr11-9829481-A-G. GRCh37 (hg19) VCF-style: chr11-9851028-A-G.
Other names: c.3668T>C, p.Leu1223Ser (NM_001386339.1); c.3539T>C, p.Leu1180Ser (NM_001386342.1); short protein forms L1223S, L1180S.
Identifiers: ClinVar variation 916931 (VCV000916931.7), dbSNP rs760210827, ClinGen allele CA5881193.